The following is an entry in ClinVar:

NM_001369.3(DNAH5):c.6574_6576delinsT (p.Lys2192fs)

Gene: DNAH5 (dynein axonemal heavy chain 5; minus strand). Cytogenetic location: 5p15.2.
Variant type: Indel.
Coding change: c.6574_6576delinsT on transcript NM_001369.3 (MANE Select); coding-DNA positions 6574 to 6576, AAA replaced by T.
Protein change: p.Lys2192fs; shifts the reading frame from lysine 2192.
Molecular consequence: frameshift variant.
Genome position (GRCh38, 1-based): chr5:13,824,202-13,824,204, TTT replaced by A on the plus strand (AAA replaced by T on the coding strand, the reverse complement: DNAH5 is on the minus strand). VCF-style: chr5-13824202-TTT-A. GRCh37 (hg19) VCF-style: chr5-13824311-TTT-A.
Other names: short protein forms K2192fs.
Identifiers: ClinVar variation 1725513 (VCV001725513.2), dbSNP rs2546857487, ClinGen allele CA2580072181.

ClinVar aggregate classification (germline): Likely pathogenic (1 of 4 stars; one submission).

Conditions:
Primary ciliary dyskinesia 3. Identifiers: Orphanet 244, MedGen C1837618, MONDO:0012085, OMIM 608644.

Submission:

Myriad Genetics, Inc.
Classification: Likely pathogenic for Primary ciliary dyskinesia 3. Last evaluated: 2022-03-29. Review status: criteria provided, single submitter. Criteria: Myriad Women's Health Autosomal Recessive and X-Linked Classification Criteria (2021). Collection method: clinical testing. Allele origin: unknown.
Comment: NM_001369.2(DNAH5):c.6574_6576delAAAinsT(K2192Sfs*3) is expected to be pathogenic in the context of DNAH5-related primary ciliary dyskinesia. This variant is predicted to lead to an abnormal or absent protein product due to the creation of a premature termination codon in DNAH5, a gene where loss-of-function variants are known to be pathogenic. Please note: this variant was assessed in the context of healthy population screening.